The following is an entry in ClinVar:

NM_001164508.2(NEB):c.11403C>G (p.Asp3801Glu)

Gene: NEB (nebulin; minus strand). Cytogenetic location: 2q23.3.
Variant type: single nucleotide variant.
Coding change: c.11403C>G on transcript NM_001164508.2 (MANE Select); coding-DNA position 11403, C replaced by G.
Protein change: p.Asp3801Glu; replaces aspartic acid 3801 with glutamic acid.
Molecular consequence: missense variant.
Genome position (GRCh38, 1-based): chr2:151,614,474, G>C on the plus strand (C>G on the coding strand, the complement: NEB is on the minus strand). VCF-style: chr2-151614474-G-C. GRCh37 (hg19) VCF-style: chr2-152470988-G-C.
Other names: c.11403C>G, p.Asp3801Glu (NM_001164507.2, NM_001271208.2); c.10674C>G, p.Asp3558Glu (NM_004543.5); short protein forms D3801E, D3558E.
Identifiers: ClinVar variation 1941319 (VCV001941319.2), dbSNP rs2552230099, ClinGen allele CA348782016.

ClinVar aggregate classification (germline): Uncertain significance (1 of 4 stars; one submission).

Conditions:
Nemaline myopathy 2 (NEM2). Also called: Nemaline myopathy 2, autosomal recessive. Identifiers: MedGen C1850569, MONDO:0009725, OMIM 256030.

Submission:

Labcorp Genetics (formerly Invitae), Labcorp
Classification: Uncertain significance for Nemaline myopathy 2. Last evaluated: 2021-04-04. Review status: criteria provided, single submitter. Criteria: Invitae Variant Classification Sherloc (09022015). Collection method: clinical testing. Allele origin: germline.
Comment: This sequence change replaces aspartic acid with glutamic acid at codon 3801 of the NEB protein (p.Asp3801Glu). The aspartic acid residue is moderately conserved and there is a small physicochemical difference between aspartic acid and glutamic acid. This variant is not present in population databases (ExAC no frequency). This variant has not been reported in the literature in individuals with NEB-related conditions. Algorithms developed to predict the effect of missense changes on protein structure and function output the following: SIFT: "Deleterious"; PolyPhen-2: "Not Available"; Align-GVGD: "Class C0". The glutamic acid amino acid residue is found in multiple mammalian species, suggesting that this missense change does not adversely affect protein function. These predictions have not been confirmed by published functional studies and their clinical significance is uncertain. In summary, the available evidence is currently insufficient to determine the role of this variant in disease. Therefore, it has been classified as a Variant of Uncertain Significance.